The following is an entry in ClinVar:

NM_016333.4(SRRM2):c.-31-2A>G

Gene: SRRM2 (serine/arginine repetitive matrix 2; plus strand). Cytogenetic location: 16p13.3.
Variant type: single nucleotide variant.
Coding change: c.-31-2A>G on transcript NM_016333.4 (MANE Select); the canonical splice acceptor site of the intron before 31 bases upstream of the start codon, A replaced by G.
Molecular consequence: splice acceptor variant.
Genome position (GRCh38, 1-based): chr16:2,756,332, A>G. VCF-style: chr16-2756332-A-G. GRCh37 (hg19) VCF-style: chr16-2806333-A-G.
Identifiers: ClinVar variation 4291984 (VCV004291984.1).

ClinVar aggregate classification (germline): Likely pathogenic (1 of 4 stars; one submission).

Conditions:
Intellectual developmental disorder, autosomal dominant 72 (MRD72). Identifiers: Orphanet 652487, MedGen C5830612, MONDO:0957397, OMIM 620439.

Submission:

3billion
Classification: Likely pathogenic for Intellectual developmental disorder, autosomal dominant 72. Last evaluated: 2024-09-12. Review status: criteria provided, single submitter. Criteria: ACMG Guidelines, 2015. Collection method: clinical testing. Allele origin: germline. Affected: yes.
Comment: The variant is not observed in the gnomAD v4.0.0 dataset. Predicted Consequence/Location: Canonical splice site: predicted to alter splicing and result in a loss or disruption of normal protein function. Multiple pathogenic loss-of-function variants are reported downstream of the variant. In silico tools predict the variant to alter splicing and produce an abnormal transcript [SpliceAI: 1.00 (spliceogenicity >=0.2, non-spliceogenicity <0.1)]. Therefore, this variant is classified as Likely pathogenic according to the recommendation of ACMG/AMP guideline.